The following is an entry in ClinVar:

ClinVar aggregate classification (germline): Pathogenic/Likely pathogenic. Review status: criteria provided, multiple submitters, no conflicts (2 of 4 stars). 4 submissions from 4 submitters: Pathogenic (3); Likely pathogenic (1). Last evaluated 2023-08-16.

Conditions:
Familial hyperinsulinism. Also called: Congenital hyperinsulinism. Identifiers: Orphanet 276525, MedGen C3888018, MONDO:0017182. Disease mechanism: loss of function.
Hyperinsulinemic hypoglycemia, familial, 1 (HHF1). Also called: Persistent hyperinsulinemic hypoglycemia of infancy; Persistent Hyperinsulinemia Hypoglycemia of Infancy; HYPERINSULINISM, FAMILIAL, WITH PANCREATIC NESIDIOBLASTOSIS; HYPOGLYCEMIA, HYPERINSULINEMIC, OF INFANCY; NESIDIOBLASTOSIS OF PANCREAS. Identifiers: Orphanet 276575, Orphanet 276598, MedGen C2931832, MONDO:0009734, OMIM 256450.
Type 2 diabetes mellitus. Also called: Type II diabetes mellitus. Identifiers: MedGen C0011860, MeSH D003924, MONDO:0005148, OMIM 125853, HP:0005978.
Inborn genetic diseases. Identifiers: MedGen C0950123, MeSH D030342.

gnomAD v4.1: 3 of 1,613,484 alleles (0.00019%); highest among the groups gnomAD compares: Non-Finnish European, 0.00017%; no homozygotes.

Submissions (4):

Broad Center for Mendelian Genomics, Broad Institute of MIT and Harvard
Classification: Pathogenic for Hyperinsulinemic hypoglycemia, familial, 1. Last evaluated: 2023-08-16. Review status: criteria provided, single submitter. Criteria: ACMG Guidelines, 2015. Collection method: curation. Allele origin: germline. Inheritance: Autosomal recessive inheritance.
Comment: The c.1630+1G>A variant in ABCC8 has been reported in at least 2 individuals with hyperinsulinemic hypoglycemia (PMID: 23275527, 14715863), and this variant has been identified in 0.02% (1/6136) of other chromosomes by the Genome Aggregation Database (gnomAD; dbSNP ID: rs773306994). Although this variant has been seen in the general population in a heterozygous state, its frequency is low enough to be consistent with a recessive carrier frequency. Of the 3 affected individuals, 1 was a compound heterozygote that carried a reported pathogenic variant with unknown phase, which increases the likelihood that the c.1630+1G>A variant is pathogenic (PMID: 23275527). This variant is located in the 3' splice region. SpliceAI predictions indicate use of an out-of-frame cryptic splice site 70 bases from the intron-exon boundary, providing evidence that this variant may cause a frameshift and lead to a premature termination codon downstream. This alteration is then predicted to lead to a truncated or absent protein. However, this information is not predictive enough to determine pathogenicity. Loss of function of the ABCC8 gene is an established disease mechanism in autosomal recessive hyperinsulinemic hypoglycemia. In summary, this variant meets criteria to be classified as pathogenic for autosomal recessive hyperinsulinemic hypoglycemia. ACMG/AMP Criteria applied: PM3_supporting, PVS1, PM2_supporting (Richards 2015).

Baylor Genetics
Classification: Pathogenic for Type 2 diabetes mellitus. Last evaluated: 2023-02-08. Review status: criteria provided, single submitter. Criteria: ACMG Guidelines, 2015. Collection method: clinical testing. Allele origin: unknown.

Women's Health and Genetics/Laboratory Corporation of America, LabCorp
Classification: Likely pathogenic for Familial hyperinsulinism. Last evaluated: 2022-12-19. Review status: criteria provided, single submitter. Criteria: LabCorp Variant Classification Summary - May 2015. Collection method: clinical testing. Allele origin: germline.
Comment: Variant summary: ABCC8 c.1630+1G>A is located in a canonical splice-site and is predicted to affect mRNA splicing resulting in a significantly altered protein due to either exon skipping, shortening, or inclusion of intronic material. Several computational tools predict a significant impact on normal splicing: Four predict the variant abolishes the canonical 5' splicing donor site. However, these predictions have yet to be confirmed by functional studies. The variant allele was found at a frequency of 4e-06 in 251248 control chromosomes. c.1630+1G>A has been reported in the literature as a compound heterozygous genotype in at-least one individual affected with the diffuse form of Congenital Hyperinsulinism (example, Henwood_2005, cited in Snider_2013). To our knowledge, no experimental evidence demonstrating an impact on protein function has been reported. No clinical diagnostic laboratories have submitted clinical-significance assessments for this variant to ClinVar after 2014. Based on the evidence outlined above, the variant was classified as likely pathogenic.

Ambry Genetics
Classification: Pathogenic for Inborn genetic diseases. Last evaluated: 2022-07-04. Review status: criteria provided, single submitter. Criteria: Ambry Variant Classification Scheme 2023. Collection method: clinical testing. Allele origin: germline.
Comment: The c.1630+1G>A intronic alteration consists of a G to A substitution one nucleotide after exon 10 (coding exon 10) of the ABCC8 gene. Alterations that disrupt the canonical splice site are expected to cause aberrant splicing, resulting in an abnormal protein or a transcript that is subject to nonsense-mediated mRNA decay. Based on data from gnomAD, the A allele has an overall frequency of <0.01% (1/251248) total alleles studied. Another alteration impacting the same donor site (c.1630+1G>T) has been described in conjunction with other ABCC8 mutations in individuals with familial hyperinsulinism (Nestorowicz, 1998; Salisbury, 2015; Sandal, 2009). This nucleotide position is highly conserved in available vertebrate species. In silico splice site analysis predicts that this alteration will weaken the native splice donor site. Based on the available evidence, this alteration is classified as pathogenic.

Literature cited by the submitters: PubMed 15562009 (cited by Women's Health and Genetics/Laboratory Corporation of America, LabCorp); PubMed 23275527 (cited by Women's Health and Genetics/Laboratory Corporation of America, LabCorp); PubMed 9618169 (cited by Ambry Genetics); PubMed 19475716 (cited by Ambry Genetics); PubMed 25931474 (cited by Ambry Genetics).

NM_000352.6(ABCC8):c.1630+1G>A

Gene: ABCC8 (ATP binding cassette subfamily C member 8; minus strand). Cytogenetic location: 11p15.1.
Variant type: single nucleotide variant.
Coding change: c.1630+1G>A on transcript NM_000352.6 (MANE Select); the canonical splice donor site of the intron after coding-DNA position 1630, G replaced by A.
Molecular consequence: splice donor variant.
Genome position (GRCh38, 1-based): chr11:17,442,719, C>T on the plus strand (G>A on the coding strand, the complement: ABCC8 is on the minus strand). VCF-style: chr11-17442719-C-T. GRCh37 (hg19) VCF-style: chr11-17464266-C-T.
Other names: NM_001287174.3:c.1630+1G>A; c.1627+1G>A (NM_001351297.2, NM_001351296.2); c.1630+1G>A (NM_001351295.2, NM_001287174.3).
Identifiers: ClinVar variation 1878337 (VCV001878337.6), dbSNP rs773306994, ClinGen allele CA5903513.